The following is an entry in ClinVar:

NM_001127222.2(CACNA1A):c.6667C>T (p.Pro2223Ser)

Gene: CACNA1A (calcium voltage-gated channel subunit alpha1 A; minus strand). Cytogenetic location: 19p13.13.
Variant type: single nucleotide variant.
Coding change: c.6667C>T on transcript NM_001127222.2 (MANE Select); coding-DNA position 6667, C replaced by T.
Protein change: p.Pro2223Ser; replaces proline 2223 with serine.
Molecular consequence: missense variant.
Genome position (GRCh38, 1-based): chr19:13,208,869, G>A on the plus strand (C>T on the coding strand, the complement: CACNA1A is on the minus strand). VCF-style: chr19-13208869-G-A. GRCh37 (hg19) VCF-style: chr19-13319683-G-A.
Other names: c.6685C>T, p.Pro2229Ser (NM_000068.4, NM_023035.3); c.6670C>T, p.Pro2224Ser (NM_001127221.2); c.6676C>T, p.Pro2226Ser (NM_001174080.2); short protein forms P2224S, P2229S, P2226S, P2223S.
Identifiers: ClinVar variation 589905 (VCV000589905.16), dbSNP rs768221184, ClinGen allele CA305547443.

ClinVar aggregate classification (germline): Conflicting classifications of pathogenicity. Review status: criteria provided, conflicting classifications (1 of 4 stars). 3 submissions from 3 submitters: Uncertain significance (1); Likely benign (2). Last evaluated 2026-08-01.

Conditions:
Episodic ataxia type 2 (EA2). Also called: CEREBELLAR ATAXIA, PAROXYSMAL, ACETAZOLAMIDE-RESPONSIVE; CEREBELLOPATHY, HEREDITARY PAROXYSMAL; EPISODIC ATAXIA, NYSTAGMUS-ASSOCIATED; ACETAZOLAMIDE-RESPONSIVE HEREDITARY PAROXYSMAL CEREBELLAR ATAXIA; ATAXIA, EPISODIC, WITH NYSTAGMUS; ATAXIA, FAMILIAL PAROXYSMAL. Identifiers: Orphanet 97, MedGen C1720416, MONDO:0007163, OMIM 108500.
Developmental and epileptic encephalopathy, 42 (DEE42A). Also called: Epileptic encephalopathy, early infantile, 42; DEVELOPMENTAL AND EPILEPTIC ENCEPHALOPATHY 42A; EPILEPTIC ENCEPHALOPATHY, EARLY INFANTILE, 42A. Identifiers: MedGen C4310716, MONDO:0014917, OMIM 617106.
Inborn genetic diseases. Identifiers: MedGen C0950123, MeSH D030342.

Allele frequency attached by ClinVar (database versions not stated): gnomAD exomes 0.00001 and 0.00007; TOPMed 0.00005; gnomAD 0.00001.
gnomAD v4.1: 13 of 1,536,142 alleles (0.00085%); highest among the groups gnomAD compares: Admixed American, 0.02%; no homozygotes.

Submissions (3):

CeGaT Center for Human Genetics Tuebingen
Classification: Likely benign. Last evaluated: 2026-08-01. Review status: criteria provided, single submitter. Criteria: CeGaT Center For Human Genetics Tuebingen Variant Classification Criteria Version 2. Collection method: clinical testing. Allele origin: germline. Affected: yes. Observed: 1 variant allele.
Comment: CACNA1A: BS2

Ambry Genetics
Classification: Uncertain significance for Inborn genetic diseases. Last evaluated: 2025-08-24. Review status: criteria provided, single submitter. Criteria: Ambry Variant Classification Scheme 2023. Collection method: clinical testing. Allele origin: germline.

Labcorp Genetics (formerly Invitae), Labcorp
Classification: Likely benign for Developmental and epileptic encephalopathy, 42; Episodic ataxia type 2. Last evaluated: 2025-06-22. Review status: criteria provided, single submitter. Criteria: Invitae Variant Classification Sherloc (09022015). Collection method: clinical testing. Allele origin: germline.